The following is an entry in ClinVar:

NM_000742.4(CHRNA2):c.1501G>A (p.Asp501Asn)

Gene: CHRNA2 (cholinergic receptor nicotinic alpha 2 subunit; minus strand). Cytogenetic location: 8p21.2.
Variant type: single nucleotide variant.
Coding change: c.1501G>A on transcript NM_000742.4 (MANE Select); coding-DNA position 1501, G replaced by A.
Protein change: p.Asp501Asn; replaces aspartic acid 501 with asparagine.
Molecular consequence: missense variant.
Genome position (GRCh38, 1-based): chr8:27,461,718, C>T on the plus strand (G>A on the coding strand, the complement: CHRNA2 is on the minus strand). VCF-style: chr8-27461718-C-T. GRCh37 (hg19) VCF-style: chr8-27319235-C-T.
Other names: c.1456G>A, p.Asp486Asn (NM_001282455.2); c.1024G>A, p.Asp342Asn (NM_001347705.2, NM_001347706.2); c.907G>A, p.Asp303Asn (NM_001347707.2, NM_001347708.2); short protein forms D342N, D486N, D303N, D501N.
Identifiers: ClinVar variation 951067 (VCV000951067.7), dbSNP rs759930402, ClinGen allele CA174237210.

ClinVar aggregate classification (germline): Uncertain significance. Review status: criteria provided, multiple submitters, no conflicts (2 of 4 stars). 2 submissions from 2 submitters: Uncertain significance (2). Last evaluated 2025-11-20.

Conditions:
Inborn genetic diseases. Identifiers: MedGen C0950123, MeSH D030342.
Familial sleep-related hypermotor epilepsy. Also called: Autosomal Dominant Sleep-Related Hypermotor (Hyperkinetic) Epilepsy. Identifiers: Orphanet 98784, MedGen C3696898, MONDO:0000030.

Allele frequency attached by ClinVar (database versions not stated): gnomAD exomes below 0.00001; TOPMed below 0.00001.
gnomAD v4.1: 2 of 1,614,194 alleles (0.00012%); highest among the groups gnomAD compares: Non-Finnish European, 0.00017%; no homozygotes.

Submissions (2):

Ambry Genetics
Classification: Uncertain significance for Inborn genetic diseases. Last evaluated: 2025-11-20. Review status: criteria provided, single submitter. Criteria: Ambry Variant Classification Scheme 2023. Collection method: clinical testing. Allele origin: germline.
Comment: The c.1501G>A (p.D501N) alteration is located in exon 7 (coding exon 6) of the CHRNA2 gene. This alteration results from a G to A substitution at nucleotide position 1501, causing the aspartic acid (D) at amino acid position 501 to be replaced by an asparagine (N). Based on data from gnomAD, the A allele has an overall frequency of <0.001% (1/251466) total alleles studied. The highest observed frequency was 0.001% (1/113744) of European (non-Finnish) alleles. Based on insufficient or conflicting evidence, the clinical significance of this alteration remains unclear.

Labcorp Genetics (formerly Invitae), Labcorp
Classification: Uncertain significance. Last evaluated: 2024-10-22. Review status: criteria provided, single submitter. Criteria: Invitae Variant Classification Sherloc (09022015). Collection method: clinical testing. Allele origin: germline.
Comment: This sequence change replaces aspartic acid, which is acidic and polar, with asparagine, which is neutral and polar, at codon 501 of the CHRNA2 protein (p.Asp501Asn). This variant is present in population databases (rs759930402, gnomAD 0.0009%). This variant has not been reported in the literature in individuals affected with CHRNA2-related conditions. ClinVar contains an entry for this variant (Variation ID: 951067). Invitae Evidence Modeling of protein sequence and biophysical properties (such as structural, functional, and spatial information, amino acid conservation, physicochemical variation, residue mobility, and thermodynamic stability) has been performed for this missense variant. However, the output from this modeling did not meet the statistical confidence thresholds required to predict the impact of this variant on CHRNA2 protein function. In summary, the available evidence is currently insufficient to determine the role of this variant in disease. Therefore, it has been classified as a Variant of Uncertain Significance.